The following is an entry in ClinVar:

ClinVar aggregate classification (germline): Uncertain significance (1 of 4 stars; one submission).

Conditions:
Wilms tumor 1 (WT1). Also called: Wilms tumor, somatic. Identifiers: Orphanet 654, MedGen CN033288, MONDO:0008679, OMIM 194070.

Allele frequency attached by ClinVar (database versions not stated): gnomAD exomes below 0.00001.
gnomAD v4.1: 1 of 1,191,630 alleles (0.000084%); highest among the groups gnomAD compares: Admixed American, 0.0022%; no homozygotes.

Submission:

Labcorp Genetics (formerly Invitae), Labcorp
Classification: Uncertain significance for Wilms tumor 1. Last evaluated: 2020-06-17. Review status: criteria provided, single submitter. Criteria: Invitae Variant Classification Sherloc (09022015). Collection method: clinical testing. Allele origin: germline.
Comment: In summary, the available evidence is currently insufficient to determine the role of this variant in disease. Therefore, it has been classified as a Variant of Uncertain Significance. Algorithms developed to predict the effect of missense changes on protein structure and function are either unavailable or do not agree on the potential impact of this missense change (SIFT: "Deleterious"; PolyPhen-2: "Probably Damaging"; Align-GVGD: "Class C0"). This variant has not been reported in the literature in individuals with GPC3-related conditions. This variant is not present in population databases (ExAC no frequency). This sequence change replaces isoleucine with threonine at codon 463 of the GPC3 protein (p.Ile463Thr). The isoleucine residue is moderately conserved and there is a moderate physicochemical difference between isoleucine and threonine.

NM_004484.4(GPC3):c.1388T>C (p.Ile463Thr)

Gene: GPC3 (glypican 3; minus strand). Cytogenetic location: Xq26.2.
Variant type: single nucleotide variant.
Coding change: c.1388T>C on transcript NM_004484.4 (MANE Select); coding-DNA position 1388, T replaced by C.
Protein change: p.Ile463Thr; replaces isoleucine 463 with threonine.
Molecular consequence: missense variant.
Genome position (GRCh38, 1-based): chrX:133,661,755, A>G on the plus strand (T>C on the coding strand, the complement: GPC3 is on the minus strand). VCF-style: chrX-133661755-A-G. GRCh37 (hg19) VCF-style: chrX-132795783-A-G.
Other names: c.1457T>C, p.Ile486Thr (NM_001164617.2); c.1340T>C, p.Ile447Thr (NM_001164618.2); c.1226T>C, p.Ile409Thr (NM_001164619.2); short protein forms I409T, I447T, I463T, I486T.
Identifiers: ClinVar variation 1056423 (VCV001056423.9), dbSNP rs2124401790, ClinGen allele CA414704382.